The following is an entry in ClinVar:

ClinVar aggregate classification (germline): Likely benign (1 of 4 stars; one submission).

gnomAD v4.1: 1 of 1,612,884 alleles (0.000062%); no homozygotes.

Submission:

CeGaT Center for Human Genetics Tuebingen
Classification: Likely benign. Last evaluated: 2026-05-01. Review status: criteria provided, single submitter. Criteria: CeGaT Center For Human Genetics Tuebingen Variant Classification Criteria Version 2. Collection method: clinical testing. Allele origin: germline. Affected: yes. Observed: 1 variant allele.
Comment: SBF1: BP4, BP7

NM_002972.4(SBF1):c.4551C>T (p.His1517=)

Gene: SBF1 (SET binding factor 1; minus strand). Cytogenetic location: 22q13.33.
Variant type: single nucleotide variant.
Coding change: c.4551C>T on transcript NM_002972.4 (MANE Select); coding-DNA position 4551, C replaced by T.
Protein change: p.His1517=; no amino-acid change (histidine 1517 retained).
Molecular consequence: synonymous variant.
Genome position (GRCh38, 1-based): chr22:50,455,227, G>A on the plus strand (C>T on the coding strand, the complement: SBF1 is on the minus strand). VCF-style: chr22-50455227-G-A. GRCh37 (hg19) VCF-style: chr22-50893656-G-A.
Other names: c.4476C>T, p.His1492= (NM_001365819.1); c.4554C>T, p.His1518= (NM_001410794.1); c.4473C>T, p.His1491= (NM_001410795.1).
Identifiers: ClinVar variation 4875033 (VCV004875033.2).